The following is an entry in ClinVar:

NM_001144967.3(NEDD4L):c.1400G>A (p.Arg467His)

Gene: NEDD4L (NEDD4 like E3 ubiquitin protein ligase; plus strand). Cytogenetic location: 18q21.31.
Variant type: single nucleotide variant.
Coding change: c.1400G>A on transcript NM_001144967.3 (MANE Select); coding-DNA position 1400, G replaced by A.
Protein change: p.Arg467His; replaces arginine 467 with histidine.
Molecular consequence: missense variant.
Genome position (GRCh38, 1-based): chr18:58,342,928, G>A. VCF-style: chr18-58342928-G-A. GRCh37 (hg19) VCF-style: chr18-56010160-G-A.
Other names: c.1037G>A, p.Arg346His (NM_001144964.1, NM_001144965.2, NM_001144966.3); c.1376G>A, p.Arg459His (NM_001144968.2); c.1316G>A, p.Arg439His (NM_001144969.2); c.977G>A, p.Arg326His (NM_001144970.3, NM_001144971.2); c.1208G>A, p.Arg403His (NM_001243960.2); c.1340G>A, p.Arg447His (NM_015277.6); short protein forms R326H, R346H, R403H, R447H, R467H, R439H, R459H.
Identifiers: ClinVar variation 947487 (VCV000947487.10), dbSNP rs781089843, ClinGen allele CA8975691.

ClinVar aggregate classification (germline): Conflicting classifications of pathogenicity. Review status: criteria provided, conflicting classifications (1 of 4 stars). 4 submissions from 4 submitters: Uncertain significance (2); Benign (1); Likely benign (1). Last evaluated 2025-05-29.

Conditions:
Inborn genetic diseases. Identifiers: MedGen C0950123, MeSH D030342.

Allele frequency attached by ClinVar (database versions not stated): gnomAD 0.00002; gnomAD exomes 0.00002; TOPMed 0.00002; ExAC 0.00003.
gnomAD v4.1: 31 of 1,611,108 alleles (0.0019%); highest among the groups gnomAD compares: Middle Eastern, 0.016%; no homozygotes.

Submissions (4):

Women's Health and Genetics/Laboratory Corporation of America, LabCorp
Classification: Likely benign. Last evaluated: 2025-05-29. Review status: criteria provided, single submitter. Criteria: LabCorp Variant Classification Summary - May 2015. Collection method: clinical testing. Allele origin: germline.
Comment: Variant summary: NEDD4L c.1400G>A (p.Arg467His) results in a non-conservative amino acid change in the encoded protein sequence. Algorithms developed to predict the effect of missense changes on protein structure and function are either unavailable or do not agree on the potential impact of this missense change. The variant allele was found at a frequency of 1.9e-05 in 1604122 control chromosomes (i.e. in 31 carriers) in the gnomAD database (v4.1 dataset). The occurrence in several controls suggests that this variant is likely not associated with a high penetrance, severe, early onset disease phenotype in heterozygous state. To our knowledge, no occurrence of c.1400G>A in individuals affected with Periventricular Nodular Heterotopia 7 and no experimental evidence demonstrating its impact on protein function have been reported. ClinVar contains an entry for this variant (Variation ID: 947487). Based on the evidence outlined above, the variant was classified as likely benign.

Labcorp Genetics (formerly Invitae), Labcorp
Classification: Benign. Last evaluated: 2024-10-22. Review status: criteria provided, single submitter. Criteria: Invitae Variant Classification Sherloc (09022015). Collection method: clinical testing. Allele origin: germline.

Ambry Genetics
Classification: Uncertain significance for Inborn genetic diseases. Last evaluated: 2023-03-01. Review status: criteria provided, single submitter. Criteria: Ambry Variant Classification Scheme 2023. Collection method: clinical testing. Allele origin: germline.

Breakthrough Genomics
Classification: Uncertain significance. Review status: criteria provided, single submitter. Criteria: ACMG Guidelines, 2015. Collection method: not provided. Allele origin: germline. Inheritance: Autosomal dominant inheritance. Affected: yes.